The following is an entry in ClinVar:

NM_001918.5(DBT):c.901C>T (p.Arg301Cys)

Gene: DBT (dihydrolipoamide branched chain transacylase E2; minus strand). Cytogenetic location: 1p21.2.
Variant type: single nucleotide variant.
Coding change: c.901C>T on transcript NM_001918.5 (MANE Select); coding-DNA position 901, C replaced by T.
Protein change: p.Arg301Cys; replaces arginine 301 with cysteine.
Molecular consequence: missense variant.
Genome position (GRCh38, 1-based): chr1:100,214,855, G>A on the plus strand (C>T on the coding strand, the complement: DBT is on the minus strand). VCF-style: chr1-100214855-G-A. GRCh37 (hg19) VCF-style: chr1-100680411-G-A.
Other names: p.R301C:CGT>TGT; c.901C>T (NM_001918.4); short protein forms R301C.
Identifiers: ClinVar variation 94016 (VCV000094016.47), dbSNP rs185492864, ClinGen allele CA275397.
Genomic context (GRCh38, chr1:100,214,855, plus strand): 5'-GTTTGAAATGAATGAATCTCACCTTTAAGAAGAAAGGCATAAAGGAGAGTTTAATTCCAC[G>A]AGCAAATGCAATGGGTTTTAATTCTTCTCGGAGCTTAACCAGTTCAGTAAGGTCAATCTC-3'
Protein context (NP_001909.4, residues 291-311): REELKPIAFA[Arg301Cys]GIKLSFMPFF

ClinVar aggregate classification (germline): Pathogenic/Likely pathogenic. Review status: criteria provided, multiple submitters, no conflicts (2 of 4 stars). 14 submissions from 14 submitters: Pathogenic (11); Likely pathogenic (3). Last evaluated 2026-01-17.

Conditions:
DBT-related disorder. Also called: DBT-related condition.
Maple syrup urine disease type 2 (MSUD2). Also called: Maple syrup urine disease, type II. Identifiers: MedGen C1855371, MONDO:0023693, OMIM 620699.
Maple syrup urine disease type 1A (MSUD1A). Also called: MSUD type 1A. Identifiers: MedGen C1855369, MONDO:0023691, OMIM 248600.
Maple syrup urine disease (MSUD). Identifiers: Orphanet 511, MedGen C0024776, MeSH D008375, MONDO:0009563. Disease mechanism: loss of function.

Allele frequency attached by ClinVar (database versions not stated): ESP Exome Variant Server 0.00015; gnomAD 0.00023 and 0.00025; TOPMed 0.00023; gnomAD exomes 0.00028; ExAC 0.00080.
gnomAD v4.1: 451 of 1,613,930 alleles (0.028%); highest among the groups gnomAD compares: Non-Finnish European, 0.033%; 2 homozygotes.

Submissions (14):

Labcorp Genetics (formerly Invitae), Labcorp
Classification: Pathogenic for Maple syrup urine disease. Last evaluated: 2026-01-17. Review status: criteria provided, single submitter. Criteria: Invitae Variant Classification Sherloc (09022015). Collection method: clinical testing. Allele origin: germline.
Comment: This sequence change replaces arginine, which is basic and polar, with cysteine, which is neutral and slightly polar, at codon 301 of the DBT protein (p.Arg301Cys). This variant is present in population databases (rs185492864, gnomAD 0.1%), including at least one homozygous and/or hemizygous individual. This missense change has been observed in individual(s) with intermittent maple syrup urine disease (PMID: 20570198, 21098507, 27518768). ClinVar contains an entry for this variant (Variation ID: 94016). Invitae Evidence Modeling of protein sequence and biophysical properties (such as structural, functional, and spatial information, amino acid conservation, physicochemical variation, residue mobility, and thermodynamic stability) indicates that this missense variant is expected to disrupt DBT protein function with a positive predictive value of 80%. Experimental studies have shown that this missense change affects DBT function (PMID: 20570198, 21098507). For these reasons, this variant has been classified as Pathogenic.

PreventionGenetics, part of Exact Sciences
Classification: Pathogenic for DBT-related condition. Last evaluated: 2025-09-15. Review status: criteria provided, single submitter. Criteria: ACMG Guidelines, 2015. Collection method: clinical testing. Allele origin: germline.
Comment: The DBT c.901C>T variant is predicted to result in the amino acid substitution p.Arg301Cys. This variant has been reported in the compound heterozygous state with a second DBT variant in patients with intermittent maple syrup urine disease type II (MSUD II) (Brodtkorb et al. 2010. PubMed ID: 20570198; Brunetti-Pierri et al. 2011. PubMed ID: 21098507; Axler and Holmquist. 2014. PubMed ID: 24394677; Strauss et al. 2020. PubMed ID: 31980395, Table S1). Branched chain alpha-ketoacid dehydrogenase (BCKD) activity in fibroblasts from patients heterozygous for the c.901C>T (p.Arg301Cys) and a second rare DBT variant has been reported to range from ~14-36% (Brodtkorb et al. 2010. PubMed ID: 20570198; Brunetti-Pierri et al. 2011. PubMed ID: 21098507). Retention of some residual BCKD enzyme activity is generally associated with intermediate or intermittent MSUD, rather than classic MSUD (Brunetti-Pierri et al. 2011. PubMed ID: 21098507). This variant is reported in 0.10% of alleles in individuals of European (Non-Finnish) descent in gnomAD, including in two homozygous individuals in gnomAD. This variant is interpreted as pathogenic.

Mayo Clinic Laboratories, Mayo Clinic
Classification: Pathogenic. Last evaluated: 2025-05-27. Review status: criteria provided, single submitter. Criteria: ACMG Guidelines, 2015. Collection method: clinical testing. Allele origin: germline. Observed: 1 variant allele.
Comment: PP3, PP4, PM3_very_strong, PS3_supporting

GeneDx
Classification: Pathogenic. Last evaluated: 2025-03-10. Review status: criteria provided, single submitter. Criteria: GeneDx Variant Classification Process June 2021. Collection method: clinical testing. Allele origin: germline. Affected: yes.
Comment: In silico analysis supports that this missense variant has a deleterious effect on protein structure/function; This variant is associated with the following publications: (PMID: 25087612, 20570198, 21098507, 24928662, 24394677, 34426522, 31589614, 30609409, 31980395, 33726816, 33123633, 27518768)

Fulgent Genetics
Classification: Likely pathogenic for Maple syrup urine disease type 2. Last evaluated: 2024-03-21. Review status: criteria provided, single submitter. Criteria: ACMG Guidelines, 2015. Collection method: clinical testing. Allele origin: germline.

Revvity Omics, Revvity
Classification: Likely pathogenic for Maple syrup urine disease type 1A. Last evaluated: 2023-01-13. Review status: criteria provided, single submitter. Criteria: ACMG Guidelines, 2015. Collection method: clinical testing. Allele origin: germline.

Greenwood Genetic Center Diagnostic Laboratories, Greenwood Genetic Center
Classification: Pathogenic for Maple syrup urine disease type 1A. Last evaluated: 2021-12-20. Review status: criteria provided, single submitter. Criteria: ACMG Guidelines, 2015. Collection method: clinical testing. Allele origin: germline. Affected: yes.
Comment: PS3, PM3_Strong, PM1

Women's Health and Genetics/Laboratory Corporation of America, LabCorp
Classification: Pathogenic for Maple syrup urine disease. Last evaluated: 2021-12-17. Review status: criteria provided, single submitter. Criteria: LabCorp Variant Classification Summary - May 2015. Collection method: clinical testing. Allele origin: germline.
Comment: Variant summary: DBT c.901C>T (p.Arg301Cys) results in a non-conservative amino acid change in the encoded protein sequence. Three of four in-silico tools predict a damaging effect of the variant on protein function. The variant allele was found at a frequency of 0.00051 in 251458 control chromosomes in the gnomAD database, including 2 homozygotes. c.901C>T has been reported in the literature in multiple individuals affected with Maple Syrup Urine Disease (e.g. Brodtkorb_2010, Tangeraas_2020). These data indicate that the variant is very likely to be associated with disease. To our knowledge, no experimental evidence demonstrating an impact on protein function has been reported. Five clinical diagnostic laboratories have submitted clinical-significance assessments for this variant to ClinVar after 2014 without evidence for independent evaluation. All laboratories classified the variant as pathogenic/likely pathogenic. Based on the evidence outlined above, the variant was classified as pathogenic.

Genome-Nilou Lab
Classification: Pathogenic for Maple syrup urine disease type 1A. Last evaluated: 2021-11-07. Review status: criteria provided, single submitter. Criteria: ACMG Guidelines, 2015. Collection method: clinical testing. Allele origin: germline. Affected: no.

Genetic Services Laboratory, University of Chicago
Classification: Pathogenic. Last evaluated: 2021-09-09. Review status: criteria provided, single submitter. Criteria: ACMG Guidelines, 2015. Collection method: clinical testing. Allele origin: germline. Affected: yes.
Comment: DNA sequence analysis of the DBT gene demonstrated a sequence change, c.901C>T, in exon 7 that results in an amino acid change, p.Arg301Cys. The p.Arg301Cys change affects a highly conserved amino acid residue located in a domain of the DBT protein that is known to be functional. The p.Arg301Cys substitution appears to be deleterious using several in-silico pathogenicity prediction tools (SIFT, PolyPhen2, Align GVGD, REVEL). This pathogenic sequence change has previously been described in multiple individuals with maple syrup urine disease in the biallelic state (PMID: 20570198). This sequence change has been described in the gnomAD database with a frequency of 0.100% in the non-Finnish European subpopulation (dbSNP rs185492864).

Myriad Genetics, Inc.
Classification: Likely pathogenic for Maple syrup urine disease type 1A. Last evaluated: 2019-12-20. Review status: criteria provided, single submitter. Criteria: Myriad Women's Health Autosomal Recessive and X-Linked Classification Criteria (2019). Collection method: clinical testing. Allele origin: unknown.
Comment: NM_001918.3(DBT):c.901C>T(R301C) is classified as likely pathogenic in the context of maple syrup urine disease type II. Sources cited for classification include the following: PMID 20570198, 21098507 and 24394677. Classification of NM_001918.3(DBT):c.901C>T(R301C) is based on the following criteria: This variant has been observed more frequently in patients with clinical diagnoses than in healthy populations. Please note: this variant was assessed in the context of healthy population screening.

Laboratory for Molecular Medicine, Mass General Brigham Personalized Medicine
Classification: Pathogenic for Maple syrup urine disease. Last evaluated: 2017-03-28. Review status: criteria provided, single submitter. Criteria: LMM Criteria. Collection method: clinical testing. Allele origin: germline. Inheritance: Autosomal recessive inheritance. Observed: 1 variant allele.
Comment: The p.Arg301Cys (NM001918.3 c.901C>T) variant in DBT has been reported in 7 comp ound heterozygous individuals with intermittent maple syrup urine disease (Brodt korb 2010, Axler 2014). This variant has been identified in 0.144% (96/66,682) o f European chromosomes by the Exome Aggregation Consortium (ExAC; dbSNP rs185492864). Although this variant has been seen in the general population, its frequency is low enough to be consistent with a recessi ve carrier frequency. In vitro functional studies provide some evidence that th e p.Arg301Cys variant may impact protein function (Brodtkorb 2010). In summary, this variant meets criteria to be classified as pathogenic for maple syrup urine disease in an autosomal recessive manner based upon its biallelic occurrence in affected individuals and supported by functional studies.

Eurofins Ntd Llc (ga)
Classification: Pathogenic. Last evaluated: 2012-11-26. Review status: criteria provided, single submitter. Criteria: EGL Classification Definitions. Collection method: clinical testing. Allele origin: germline. Observed: 8 variant alleles, 7 heterozygotes, 1 homozygote.

Juno Genomics, Hangzhou Juno Genomics, Inc
Classification: Pathogenic for Maple syrup urine disease type 2. Review status: criteria provided, single submitter. Criteria: ACMG Guidelines, 2015. Collection method: clinical testing. Allele origin: germline.
Comment: Absent from controls (or at extremely low frequency if recessive) in Genome Aggregation Database.;Multiple lines of computational evidence support a deleterious effect on the gene or gene product.;For recessive disorders, detected in trans with a pathogenic variant.

Literature cited by the submitters: PubMed 20570198 (cited by 5 submitters); PubMed 21098507 (cited by 3 submitters); PubMed 27518768 (cited by Labcorp Genetics (formerly Invitae), Labcorp); PubMed 24394677 (cited by 3 submitters); PubMed 33123633 (cited by Mayo Clinic Laboratories, Mayo Clinic and Women's Health and Genetics/Laboratory Corporation of America, LabCorp).